The following is an entry in ClinVar:

ClinVar aggregate classification (germline): Uncertain significance. Review status: criteria provided, multiple submitters, no conflicts (2 of 4 stars). 2 submissions from 2 submitters: Uncertain significance (2). Last evaluated 2025-08-20.

Allele frequency attached by ClinVar (database versions not stated): gnomAD exomes below 0.00001; ExAC 0.00001.
gnomAD v4.1: 1 of 1,614,152 alleles (0.000062%); highest among the groups gnomAD compares: Admixed American, 0.0017%; no homozygotes.

Submissions (2):

Ambry Genetics
Classification: Uncertain significance. Last evaluated: 2025-08-20. Review status: criteria provided, single submitter. Criteria: Ambry Variant Classification Scheme 2023. Collection method: clinical testing. Allele origin: germline.

Labcorp Genetics (formerly Invitae), Labcorp
Classification: Uncertain significance. Last evaluated: 2023-06-28. Review status: criteria provided, single submitter. Criteria: Invitae Variant Classification Sherloc (09022015). Collection method: clinical testing. Allele origin: germline.
Comment: This variant is present in population databases (rs754856935, gnomAD 0.003%). This sequence change replaces lysine, which is basic and polar, with glutamine, which is neutral and polar, at codon 1110 of the TET2 protein (p.Lys1110Gln). This variant has not been reported in the literature in individuals affected with TET2-related conditions. An algorithm developed to predict the effect of missense changes on protein structure and function (PolyPhen-2) suggests that this variant is likely to be disruptive. In summary, the available evidence is currently insufficient to determine the role of this variant in disease. Therefore, it has been classified as a Variant of Uncertain Significance.

NM_001127208.3(TET2):c.3328A>C (p.Lys1110Gln)

Genes: TET2 (tet methylcytosine dioxygenase 2; plus strand), TET2-AS1 (TET2 antisense RNA 1; minus strand). Cytogenetic location: 4q24.
Variant type: single nucleotide variant.
Coding change: c.3328A>C on transcript NM_001127208.3 (MANE Select); coding-DNA position 3328, A replaced by C.
Protein change: p.Lys1110Gln; replaces lysine 1110 with glutamine.
Molecular consequence: missense variant.
Genome position (GRCh38, 1-based): chr4:105,237,270, A>C. VCF-style: chr4-105237270-A-C. GRCh37 (hg19) VCF-style: chr4-106158427-A-C.
Other names: c.3328A>C, p.Lys1110Gln (NM_017628.4); short protein forms K1110Q.
Identifiers: ClinVar variation 2815223 (VCV002815223.4), dbSNP rs754856935, ClinGen allele CA3032063.
Genomic context (GRCh38, chr4:105,237,270, plus strand): 5'-AAGACACCAACCAAAAGAACAGCTGCTTCTGTTCTCAATAATTTTATAGAGTCACCTTCC[A>C]AATTACTAGATACTCCTATAAAAAATTTATTGGATACACCTGTCAAGACTCAATATGATT-3'
Protein context (NP_001120680.1, residues 1100-1120): VLNNFIESPS[Lys1110Gln]LLDTPIKNLL